The following is an entry in ClinVar:

NM_015072.5(TTLL5):c.2987-12C>G

Gene: TTLL5 (tubulin tyrosine ligase like 5; plus strand). Cytogenetic location: 14q24.3.
Variant type: single nucleotide variant.
Coding change: c.2987-12C>G on transcript NM_015072.5 (MANE Select); 12 bases into the intron before coding-DNA position 2987, C replaced by G.
Molecular consequence: intron variant.
Genome position (GRCh38, 1-based): chr14:75,792,904, C>G. VCF-style: chr14-75792904-C-G. GRCh37 (hg19) VCF-style: chr14-76259247-C-G.
Identifiers: ClinVar variation 1969331 (VCV001969331.5), dbSNP rs1892806625, ClinGen allele CA964813292.
Genomic context (GRCh38, chr14:75,792,904, plus strand): 5'-TTCTGTCATTATCCTAATTTTTTTCAGGCCTTTTTTTCCTAAATGAGTGAAAACTTTTCT[C>G]CGTTTTAGCAGGATCGTGCTATCTAAACAAGCATCATTCAGGAATAGCCAAAACACAAAA-3'

ClinVar aggregate classification (germline): Uncertain significance (1 of 4 stars; one submission).

Allele frequency attached by ClinVar (database versions not stated): gnomAD 0.00001; TOPMed 0.00001.
gnomAD v4.1: 2 of 1,523,650 alleles (0.00013%); highest among the groups gnomAD compares: Non-Finnish European, 0.00018%; no homozygotes.

Submission:

Labcorp Genetics (formerly Invitae), Labcorp
Classification: Uncertain significance. Last evaluated: 2022-06-15. Review status: criteria provided, single submitter. Criteria: Invitae Variant Classification Sherloc (09022015). Collection method: clinical testing. Allele origin: germline.
Comment: This variant is not present in population databases (gnomAD no frequency). In summary, the available evidence is currently insufficient to determine the role of this variant in disease. Therefore, it has been classified as a Variant of Uncertain Significance. Algorithms developed to predict the effect of sequence changes on RNA splicing suggest that this variant may create or strengthen a splice site. This variant has not been reported in the literature in individuals affected with TTLL5-related conditions. This sequence change falls in intron 26 of the TTLL5 gene. It does not directly change the encoded amino acid sequence of the TTLL5 protein.